The following is an entry in ClinVar:

NM_015015.3(KDM4B):c.2725G>T (p.Gly909Trp)

Gene: KDM4B (lysine demethylase 4B; plus strand). Cytogenetic location: 19p13.3.
Variant type: single nucleotide variant.
Coding change: c.2725G>T on transcript NM_015015.3 (MANE Select); coding-DNA position 2725, G replaced by T.
Protein change: p.Gly909Trp; replaces glycine 909 with tryptophan.
Molecular consequence: missense variant.
Genome position (GRCh38, 1-based): chr19:5,144,141, G>T. VCF-style: chr19-5144141-G-T. GRCh37 (hg19) VCF-style: chr19-5144152-G-T.
Other names: c.2827G>T, p.Gly943Trp (NM_001411148.1); short protein forms G943W, G909W.
Identifiers: ClinVar variation 4998070 (VCV004998070.1).

ClinVar aggregate classification (germline): Uncertain significance (1 of 4 stars; one submission).

Conditions:
KDM4B-related disorder. Also called: KDM4B-related condition.

Submission:

PreventionGenetics, part of Exact Sciences
Classification: Uncertain significance for KDM4B-related condition. Last evaluated: 2026-07-06. Review status: criteria provided, single submitter. Criteria: ACMG Guidelines, 2015. Collection method: clinical testing. Allele origin: germline.
Comment: The KDM4B c.2725G>T variant is predicted to result in the amino acid substitution p.Gly909Trp. To our knowledge, this variant has not been reported in the literature or in a large population database (gnomAD), indicating this variant is rare. At this time, the clinical significance of this variant is uncertain due to the absence of conclusive functional and genetic evidence.